The following is an entry in ClinVar:

NM_032130.3(FAM186B):c.1199G>C (p.Arg400Thr)

Gene: FAM186B (family with sequence similarity 186 member B; minus strand). Cytogenetic location: 12q13.12.
Variant type: single nucleotide variant.
Coding change: c.1199G>C on transcript NM_032130.3 (MANE Select); coding-DNA position 1199, G replaced by C.
Protein change: p.Arg400Thr; replaces arginine 400 with threonine.
Molecular consequence: missense variant. On other transcripts: non-coding transcript variant (1).
Genome position (GRCh38, 1-based): chr12:49,600,441, C>G on the plus strand (G>C on the coding strand, the complement: FAM186B is on the minus strand). VCF-style: chr12-49600441-C-G. GRCh37 (hg19) VCF-style: chr12-49994224-C-G.
Other names: short protein forms R400T.
Identifiers: ClinVar variation 2827857 (VCV002827857.3), dbSNP rs2547700948, ClinGen allele CA384717503.

ClinVar aggregate classification (germline): Uncertain significance (1 of 4 stars; one submission).

gnomAD v4.1: 1 of 1,613,216 alleles (0.000062%); no homozygotes.

Submission:

Labcorp Genetics (formerly Invitae), Labcorp
Classification: Uncertain significance. Last evaluated: 2024-05-22. Review status: criteria provided, single submitter. Criteria: Invitae Variant Classification Sherloc (09022015). Collection method: clinical testing. Allele origin: germline.
Comment: This sequence change replaces arginine, which is basic and polar, with threonine, which is neutral and polar, at codon 400 of the FAM186B protein (p.Arg400Thr). This variant is not present in population databases (gnomAD no frequency). This variant has not been reported in the literature in individuals affected with FAM186B-related conditions. An algorithm developed to predict the effect of missense changes on protein structure and function (PolyPhen-2) suggests that this variant is likely to be disruptive. In summary, the available evidence is currently insufficient to determine the role of this variant in disease. Therefore, it has been classified as a Variant of Uncertain Significance.